The following is an entry in ClinVar:

NM_005219.5(DIAPH1):c.443A>G (p.Tyr148Cys)

Gene: DIAPH1 (diaphanous related formin 1; minus strand). Cytogenetic location: 5q31.3.
Variant type: single nucleotide variant.
Coding change: c.443A>G on transcript NM_005219.5 (MANE Select); coding-DNA position 443, A replaced by G.
Protein change: p.Tyr148Cys; replaces tyrosine 148 with cysteine.
Molecular consequence: missense variant.
Genome position (GRCh38, 1-based): chr5:141,583,575, T>C on the plus strand (A>G on the coding strand, the complement: DIAPH1 is on the minus strand). VCF-style: chr5-141583575-T-C. GRCh37 (hg19) VCF-style: chr5-140963142-T-C.
Other names: c.416A>G, p.Tyr139Cys (NM_001079812.3); c.443A>G, p.Tyr148Cys (NM_001314007.2); short protein forms Y148C, Y139C.
Identifiers: ClinVar variation 2930321 (VCV002930321.3), dbSNP rs1359846013, ClinGen allele CA361542124.
Genomic context (GRCh38, chr5:141,583,575, plus strand): 5'-AGGGACTCCAGGCAGCTGAGCAGAGGCATATCCCGCAAGCCTGACCTCAACTCCTGAATA[T>C]ACATCATGGCAGACTTAGAGCTCTCCTTCTGGCTCATGCCCTAGACAGAAGGCATAGACA-3'
Protein context (NP_005210.3, residues 138-158): QKESSKSAMM[Tyr148Cys]IQELRSGLRD

ClinVar aggregate classification (germline): Uncertain significance (1 of 4 stars; one submission).

Conditions:
Autosomal dominant nonsyndromic hearing loss 1. Also called: KONIGSMARK SYNDROME; DEAFNESS, AUTOSOMAL DOMINANT 1, WITH OR WITHOUT THROMBOCYTOPENIA. Identifiers: Orphanet 90635, MedGen C1852282, MONDO:0007424, OMIM 124900.
Progressive microcephaly-seizures-cortical blindness-developmental delay syndrome. Also called: Seizures, cortical blindness, and microcephaly syndrome. Identifiers: Orphanet 477814, MedGen C5567650, MONDO:0014714, OMIM 616632.

Allele frequency attached by ClinVar (database versions not stated): gnomAD exomes below 0.00001.

Submission:

Labcorp Genetics (formerly Invitae), Labcorp
Classification: Uncertain significance for Progressive microcephaly-seizures-cortical blindness-developmental delay syndrome; Autosomal dominant nonsyndromic hearing loss 1. Last evaluated: 2025-08-20. Review status: criteria provided, single submitter. Criteria: Invitae Variant Classification Sherloc (09022015). Collection method: clinical testing. Allele origin: germline.
Comment: This sequence change replaces tyrosine, which is neutral and polar, with cysteine, which is neutral and slightly polar, at codon 148 of the DIAPH1 protein (p.Tyr148Cys). This variant is present in population databases (no rsID available, gnomAD 0.003%). This variant has not been reported in the literature in individuals affected with DIAPH1-related conditions. ClinVar contains an entry for this variant (Variation ID: 2930321). Experimental studies and prediction algorithms are not available or were not evaluated, and the functional significance of this variant is currently unknown. In summary, the available evidence is currently insufficient to determine the role of this variant in disease. Therefore, it has been classified as a Variant of Uncertain Significance.